The following is an entry in ClinVar:

ClinVar aggregate classification (germline): Uncertain significance (1 of 4 stars; one submission).

Submission:

Labcorp Genetics (formerly Invitae), Labcorp
Classification: Uncertain significance. Last evaluated: 2023-08-10. Review status: criteria provided, single submitter. Criteria: Invitae Variant Classification Sherloc (09022015). Collection method: clinical testing. Allele origin: germline.
Comment: In summary, the available evidence is currently insufficient to determine the role of this variant in disease. Therefore, it has been classified as a Variant of Uncertain Significance. Advanced modeling of protein sequence and biophysical properties (such as structural, functional, and spatial information, amino acid conservation, physicochemical variation, residue mobility, and thermodynamic stability) performed at Invitae indicates that this missense variant is not expected to disrupt USH2A protein function. ClinVar contains an entry for this variant (Variation ID: 1490276). This variant has not been reported in the literature in individuals affected with USH2A-related conditions. This variant is not present in population databases (gnomAD no frequency). This sequence change replaces methionine, which is neutral and non-polar, with leucine, which is neutral and non-polar, at codon 5167 of the USH2A protein (p.Met5167Leu).

NM_206933.4(USH2A):c.15499A>C (p.Met5167Leu)

Gene: USH2A (usherin; minus strand). Cytogenetic location: 1q41.
Variant type: single nucleotide variant.
Coding change: c.15499A>C on transcript NM_206933.4 (MANE Select); coding-DNA position 15499, A replaced by C.
Protein change: p.Met5167Leu; replaces methionine 5167 with leucine.
Molecular consequence: missense variant.
Genome position (GRCh38, 1-based): chr1:215,628,834, T>G on the plus strand (A>C on the coding strand, the complement: USH2A is on the minus strand). VCF-style: chr1-215628834-T-G. GRCh37 (hg19) VCF-style: chr1-215802176-T-G.
Other names: short protein forms M5167L.
Identifiers: ClinVar variation 1490276 (VCV001490276.6), dbSNP rs755573653, ClinGen allele CA344820575.